The following is an entry in ClinVar:

NM_001382430.1(AKT1):c.1173-107C>G

Gene: AKT1 (AKT serine/threonine kinase 1; minus strand). Cytogenetic location: 14q32.33.
Variant type: single nucleotide variant.
Coding change: c.1173-107C>G on transcript NM_001382430.1 (MANE Select); 107 bases into the intron before coding-DNA position 1173, C replaced by G.
Molecular consequence: intron variant.
Genome position (GRCh38, 1-based): chr14:104,772,559, G>C on the plus strand (C>G on the coding strand, the complement: AKT1 is on the minus strand). VCF-style: chr14-104772559-G-C. GRCh37 (hg19) VCF-style: chr14-105238896-G-C.
Other names: c.1173-107C>G (NM_001014431.2, NM_001014432.2, NM_001382433.1 and 3 more transcripts).
Identifiers: ClinVar variation 4823151 (VCV004823151.4).

ClinVar aggregate classification (germline): Uncertain significance (1 of 4 stars; one submission).

Submission:

CeGaT Center for Human Genetics Tuebingen
Classification: Uncertain significance. Last evaluated: 2026-01-01. Review status: criteria provided, single submitter. Criteria: CeGaT Center For Human Genetics Tuebingen Variant Classification Criteria Version 2. Collection method: clinical testing. Allele origin: germline. Affected: yes. Observed: 1 variant allele.
Comment: AKT1: PM2, BP4